The following is an entry in ClinVar:

ClinVar aggregate classification (germline): Uncertain significance (1 of 4 stars; one submission).

Conditions:
Inborn genetic diseases. Identifiers: MedGen C0950123, MeSH D030342.

Submission:

Ambry Genetics
Classification: Uncertain significance for Inborn genetic diseases. Last evaluated: 2026-05-14. Review status: criteria provided, single submitter. Criteria: Ambry Variant Classification Scheme 2023. Collection method: clinical testing. Allele origin: germline.
Comment: The p.A536S variant (also known as c.1606G>T), located in coding exon 7 of the SH2B3 gene, results from a G to T substitution at nucleotide position 1606. The alanine at codon 536 is replaced by serine, an amino acid with similar properties. This amino acid position is conserved. In addition, this alteration is predicted to be tolerated by in silico analysis. Based on the available evidence, the clinical significance of this variant remains unclear.

NM_005475.3(SH2B3):c.1606G>T (p.Ala536Ser)

Gene: SH2B3 (SH2B adaptor protein 3; plus strand). Cytogenetic location: 12q24.12.
Variant type: single nucleotide variant.
Coding change: c.1606G>T on transcript NM_005475.3 (MANE Select); coding-DNA position 1606, G replaced by T.
Protein change: p.Ala536Ser; replaces alanine 536 with serine.
Molecular consequence: missense variant.
Genome position (GRCh38, 1-based): chr12:111,448,180, G>T. VCF-style: chr12-111448180-G-T. GRCh37 (hg19) VCF-style: chr12-111885984-G-T.
Other names: c.1000G>T, p.Ala334Ser (NM_001291424.1); short protein forms A334S, A536S.
Identifiers: ClinVar variation 4864448 (VCV004864448.1).